The following is an entry in ClinVar:

ClinVar aggregate classification (germline): Benign (1 of 4 stars; one submission).

Conditions:
Rhabdoid tumor predisposition syndrome 2 (RTPS2). Identifiers: Orphanet 231108, Orphanet 69077, MedGen C2750074, MONDO:0013224, OMIM 613325.

Submission:

Myriad Genetics, Inc.
Classification: Benign for Rhabdoid tumor predisposition syndrome 2. Last evaluated: 2026-07-17. Review status: criteria provided, single submitter. Criteria: Myriad Autosomal Dominant, Autosomal Recessive and X-Linked Classification Criteria (2023). Collection method: clinical testing. Allele origin: unknown.
Comment: This variant is considered benign. This variant is a silent/synonymous amino acid change and it is not expected to impact splicing.

NM_003072.5(SMARCA4):c.4053_4056delinsTGCA (p.Asp1351_Ala1352=)

Gene: SMARCA4 (SWI/SNF related BAF chromatin remodeling complex subunit ATPase 4; plus strand). Cytogenetic location: 19p13.2.
Variant type: Indel.
Coding change: c.4053_4056delinsTGCA on transcript NM_003072.5 (MANE Select); coding-DNA positions 4053 to 4056, CGCG replaced by TGCA.
Protein change: p.Asp1351_Ala1352=.
Molecular consequence: synonymous variant. On other transcripts: non-coding transcript variant (1).
Genome position (GRCh38, 1-based): chr19:11,035,015-11,035,018, CGCG replaced by TGCA. VCF-style: chr19-11035015-CGCG-TGCA. GRCh37 (hg19) VCF-style: chr19-11145691-CGCG-TGCA.
Other names: c.4053_4056delinsTGCA, p.Asp1351_Ala1352= (NM_001128844.3, NM_001128849.3, NM_001387283.1); c.3954_3957delinsTGCA, p.Asp1318_Ala1319= (NM_001128845.2, NM_001128846.2, NM_001128847.4 and 3 more transcripts).
Identifiers: ClinVar variation 5042080 (VCV005042080.1).